The following is an entry in ClinVar:

ClinVar aggregate classification (germline): Uncertain significance (1 of 4 stars; one submission).

Conditions:
Severe combined immunodeficiency, autosomal recessive, T cell-negative, B cell-negative, NK cell-positive. Also called: SCID, T CELL-NEGATIVE, B CELL-NEGATIVE, NK CELL-POSITIVE; SCID, AR, T-cell negative, B-cell negative, NK cell-positive; Severe combined immunodeficiency due to complete RAG1/2 deficiency. Identifiers: Orphanet 331206, MedGen C1832322, MONDO:0011086, OMIM 601457.
Combined immunodeficiency with skin granulomas. Identifiers: Orphanet 157949, MedGen C2673536, MONDO:0009306, OMIM 233650.

Allele frequency attached by ClinVar (database versions not stated): gnomAD exomes below 0.00001.

Submission:

Labcorp Genetics (formerly Invitae), Labcorp
Classification: Uncertain significance for Combined immunodeficiency with skin granulomas; Severe combined immunodeficiency, autosomal recessive, T cell-negative, B cell-negative, NK cell-positive. Last evaluated: 2022-08-23. Review status: criteria provided, single submitter. Criteria: Invitae Variant Classification Sherloc (09022015). Collection method: clinical testing. Allele origin: germline.
Comment: This sequence change replaces methionine, which is neutral and non-polar, with threonine, which is neutral and polar, at codon 1019 of the RAG1 protein (p.Met1019Thr). This variant is present in population databases (no rsID available, gnomAD 0.007%). This variant has not been reported in the literature in individuals affected with RAG1-related conditions. ClinVar contains an entry for this variant (Variation ID: 1502653). Advanced modeling of protein sequence and biophysical properties (such as structural, functional, and spatial information, amino acid conservation, physicochemical variation, residue mobility, and thermodynamic stability) performed at Invitae indicates that this missense variant is not expected to disrupt RAG1 protein function. In summary, the available evidence is currently insufficient to determine the role of this variant in disease. Therefore, it has been classified as a Variant of Uncertain Significance.

NM_000448.3(RAG1):c.3056T>C (p.Met1019Thr)

Gene: RAG1 (recombination activating 1; plus strand). Cytogenetic location: 11p12.
Variant type: single nucleotide variant.
Coding change: c.3056T>C on transcript NM_000448.3 (MANE Select); coding-DNA position 3056, T replaced by C.
Protein change: p.Met1019Thr; replaces methionine 1019 with threonine.
Molecular consequence: missense variant.
Genome position (GRCh38, 1-based): chr11:36,576,360, T>C. VCF-style: chr11-36576360-T-C. GRCh37 (hg19) VCF-style: chr11-36597910-T-C.
Other names: c.3056T>C, p.Met1019Thr (NM_001377277.1, NM_001377278.1, NM_001377279.1 and 1 more transcripts); short protein forms M1019T.
Identifiers: ClinVar variation 1502653 (VCV001502653.6), dbSNP rs1471962137, ClinGen allele CA380136870.